The following is an entry in ClinVar:

NM_000145.4(FSHR):c.1724C>T (p.Ala575Val)

Gene: FSHR (follicle stimulating hormone receptor; minus strand). Cytogenetic location: 2p16.3.
Variant type: single nucleotide variant.
Coding change: c.1724C>T on transcript NM_000145.4 (MANE Select); coding-DNA position 1724, C replaced by T.
Protein change: p.Ala575Val; replaces alanine 575 with valine.
Molecular consequence: missense variant.
Genome position (GRCh38, 1-based): chr2:48,963,097, G>A on the plus strand (C>T on the coding strand, the complement: FSHR is on the minus strand). VCF-style: chr2-48963097-G-A. GRCh37 (hg19) VCF-style: chr2-49190236-G-A.
Other names: c.1646C>T, p.Ala549Val (NM_181446.3); short protein forms A549V, A575V.
Identifiers: ClinVar variation 56031 (VCV000056031.2), dbSNP rs386833511, ClinGen allele CA144121.

ClinVar aggregate classification (germline): Likely pathogenic (0 of 4 stars; one submission).

Conditions:
Ovarian dysgenesis 1 (ODG1). Also called: Gonadal dysgenesis XX type deafness; OVARIAN DYSGENESIS, HYPERGONADOTROPIC, AUTOSOMAL RECESSIVE; OVARIAN DYSGENESIS, HYPERGONADOTROPIC, WITH NORMAL KARYOTYPE; OVARIAN FAILURE, HYPERGONADOTROPIC; GONADAL DYSGENESIS, XX TYPE. Identifiers: Orphanet 243, MedGen C0949595, MONDO:0024463, OMIM 233300.

Submission:

Juha Muilu Group; Institute for Molecular Medicine Finland (FIMM)
Classification: Likely pathogenic for Ovarian dysgenesis 1. Review status: no assertion criteria provided. Collection method: not provided. Allele origin: unknown.
Comment: FinDis database variant: This variant was not found or characterized by our laboratory, data were collected from public sources: see reference
ClinVar note: Converted during submission from probable-pathogenic to Likely pathogenic.